The following is an entry in ClinVar:

NM_005247.4(FGF3):c.265del (p.Arg89fs)

Gene: FGF3 (fibroblast growth factor 3; minus strand). Cytogenetic location: 11q13.3.
Variant type: Deletion.
Coding change: c.265del on transcript NM_005247.4 (MANE Select); coding-DNA position 265, one base deleted (A; older notation c.265delA).
Protein change: p.Arg89fs; shifts the reading frame from arginine 89.
Molecular consequence: frameshift variant.
Genome position (GRCh38, 1-based): chr11:69,816,379, T deleted on the plus strand (A on the coding strand, the reverse complement: FGF3 is on the minus strand). VCF-style (leftmost placement, unchanged base first): chr11-69816378-CT-C. GRCh37 (hg19) VCF-style: chr11-69631146-CT-C.
Other names: short protein forms R89fs.
Identifiers: ClinVar variation 3352425 (VCV003352425.1).

ClinVar aggregate classification (germline): Likely pathogenic (0 of 4 stars; one submission).

Conditions:
FGF3-related disorder. Also called: FGF3-related condition.

Submission:

PreventionGenetics, part of Exact Sciences
Classification: Likely pathogenic for FGF3-related condition. Last evaluated: 2024-09-05. Review status: no assertion criteria provided. Collection method: clinical testing. Allele origin: germline.
Comment: The FGF3 c.265delA variant is predicted to result in a frameshift and premature protein termination (p.Arg89Glyfs*11). To our knowledge, this variant has not been reported in the literature. This variant is reported in 0.0040% of alleles in individuals of African descent in gnomAD. Frameshift variants in FGF3 are expected to be pathogenic. This variant is interpreted as likely pathogenic.